The following is an entry in ClinVar:

ClinVar aggregate classification (germline): Uncertain significance (1 of 4 stars; one submission).

gnomAD v4.1: 6 of 1,613,930 alleles (0.00037%); highest among the groups gnomAD compares: African/African-American, 0.008%; no homozygotes.

Submission:

GeneDx
Classification: Uncertain significance. Last evaluated: 2023-10-19. Review status: criteria provided, single submitter. Criteria: GeneDx Variant Classification Process June 2021. Collection method: clinical testing. Allele origin: germline. Affected: yes.
Comment: Not observed at significant frequency in large population cohorts (gnomAD); In silico analysis supports that this variant does not alter splicing; Has not been previously published as pathogenic or benign to our knowledge

NM_000168.6(GLI3):c.2085C>A (p.Val695=)

Gene: GLI3 (GLI family zinc finger 3; minus strand). Cytogenetic location: 7p14.1.
Variant type: single nucleotide variant.
Coding change: c.2085C>A on transcript NM_000168.6 (MANE Select); coding-DNA position 2085, C replaced by A.
Protein change: p.Val695=; no amino-acid change (valine 695 retained).
Molecular consequence: synonymous variant.
Genome position (GRCh38, 1-based): chr7:41,972,355, G>T on the plus strand (C>A on the coding strand, the complement: GLI3 is on the minus strand). VCF-style: chr7-41972355-G-T. GRCh37 (hg19) VCF-style: chr7-42011954-G-T.
Identifiers: ClinVar variation 3366266 (VCV003366266.1).